The following is an entry in ClinVar:

NM_000038.6(APC):c.7699A>T (p.Thr2567Ser)

Gene: APC (APC regulator of Wnt signaling pathway; plus strand). Cytogenetic location: 5q22.2.
Variant type: single nucleotide variant.
Coding change: c.7699A>T on transcript NM_000038.6 (MANE Select); coding-DNA position 7699, A replaced by T.
Protein change: p.Thr2567Ser; replaces threonine 2567 with serine.
Molecular consequence: missense variant. On other transcripts: non-coding transcript variant (2).
Genome position (GRCh38, 1-based): chr5:112,843,293, A>T. VCF-style: chr5-112843293-A-T. GRCh37 (hg19) VCF-style: chr5-112178990-A-T.
Other names: c.7699A>T, p.Thr2567Ser (NM_001127510.3, NM_001354895.2, NM_001407450.1); c.7645A>T, p.Thr2549Ser (NM_001127511.3); c.7753A>T, p.Thr2585Ser (NM_001354896.2, NM_001407447.1, NM_001407448.1 and 1 more transcripts); c.7624A>T, p.Thr2542Ser (NM_001354898.2); c.7729A>T, p.Thr2577Ser (NM_001354897.2); c.7615A>T, p.Thr2539Ser (NM_001354899.2); c.7576A>T, p.Thr2526Ser (NM_001354900.2); c.7522A>T, p.Thr2508Ser (NM_001354901.2, NM_001407453.1); and 11 more; short protein forms T2407S, T2484S, T2557S, T2577S, T2183S, T2526S, T2542S, T2567S.
Identifiers: ClinVar variation 2452755 (VCV002452755.5), dbSNP rs2149992149, ClinGen allele CA16038056.

ClinVar aggregate classification (germline): Uncertain significance. Review status: criteria provided, multiple submitters, no conflicts (2 of 4 stars). 2 submissions from 2 submitters: Uncertain significance (2). Last evaluated 2023-02-17.

Conditions:
Familial adenomatous polyposis 1 (FAP1). Also called: POLYPOSIS, ADENOMATOUS INTESTINAL; FAMILIAL ADENOMATOUS POLYPOSIS 1, ATTENUATED. Identifiers: MedGen C2713442, MONDO:0021056, OMIM 175100. Disease mechanism: loss of function.
Hereditary cancer-predisposing syndrome. Also called: Neoplastic Syndromes, Hereditary; Tumor predisposition; Hereditary neoplastic syndrome; Hereditary Cancer Syndrome. Identifiers: Orphanet 140162, MedGen C0027672, MeSH D009386, MONDO:0015356.

gnomAD v4.1: 1 of 1,613,552 alleles (0.000062%); no homozygotes.

Submissions (2):

Ambry Genetics
Classification: Uncertain significance for Hereditary cancer-predisposing syndrome. Last evaluated: 2023-02-17. Review status: criteria provided, single submitter. Criteria: Ambry Variant Classification Scheme 2023. Collection method: clinical testing. Allele origin: germline.
Comment: The p.T2567S variant (also known as c.7699A>T), located in coding exon 15 of the APC gene, results from an A to T substitution at nucleotide position 7699. The threonine at codon 2567 is replaced by serine, an amino acid with similar properties. This amino acid position is conserved. In addition, in silico predictors for this gene do not accurately predict pathogenicity. Since supporting evidence is limited at this time, the clinical significance of this alteration remains unclear.

Labcorp Genetics (formerly Invitae), Labcorp
Classification: Uncertain significance for Familial adenomatous polyposis 1. Last evaluated: 2022-10-25. Review status: criteria provided, single submitter. Criteria: Invitae Variant Classification Sherloc (09022015). Collection method: clinical testing. Allele origin: germline.
Comment: This sequence change replaces threonine, which is neutral and polar, with serine, which is neutral and polar, at codon 2567 of the APC protein (p.Thr2567Ser). This variant is not present in population databases (gnomAD no frequency). This variant has not been reported in the literature in individuals affected with APC-related conditions. Advanced modeling of protein sequence and biophysical properties (such as structural, functional, and spatial information, amino acid conservation, physicochemical variation, residue mobility, and thermodynamic stability) performed at Invitae indicates that this missense variant is not expected to disrupt APC protein function. In summary, the available evidence is currently insufficient to determine the role of this variant in disease. Therefore, it has been classified as a Variant of Uncertain Significance.